The following is an entry in ClinVar:

NM_015335.5(MED13L):c.2584C>T (p.Gln862Ter)

Gene: MED13L (mediator complex subunit 13L; minus strand). Cytogenetic location: 12q24.21.
Variant type: single nucleotide variant.
Coding change: c.2584C>T on transcript NM_015335.5 (MANE Select); coding-DNA position 2584, C replaced by T.
Protein change: p.Gln862Ter; replaces glutamine 862 with a stop codon.
Molecular consequence: nonsense.
Genome position (GRCh38, 1-based): chr12:115,997,216, G>A on the plus strand (C>T on the coding strand, the complement: MED13L is on the minus strand). VCF-style: chr12-115997216-G-A. GRCh37 (hg19) VCF-style: chr12-116435021-G-A.
Other names: short protein forms Q862*.
Identifiers: ClinVar variation 3251049 (VCV003251049.18), dbSNP rs2499875454.
Genomic context (GRCh38, chr12:115,997,216, plus strand): 5'-TCATCACAGGAGAAAATGCAGGATGCTGTTCCAAAGATGGTGGAGTGGGAAACATCCTTT[G>A]CAAGTCTGCAACTGCTAAAAATAAGAAATAAAAAAAATTTGTTTAATAGGAAGGGCTTCT-3'

ClinVar aggregate classification (germline): Pathogenic (1 of 4 stars; one submission).

Submission:

CeGaT Center for Human Genetics Tuebingen
Classification: Pathogenic. Last evaluated: 2024-06-01. Review status: criteria provided, single submitter. Criteria: CeGaT Center For Human Genetics Tuebingen Variant Classification Criteria Version 2. Collection method: clinical testing. Allele origin: germline. Affected: yes. Observed: 1 variant allele.
Comment: MED13L: PVS1, PM2, PS2:Moderate